The following is an entry in ClinVar:

ClinVar aggregate classification (germline): Uncertain significance (1 of 4 stars; one submission).

Allele frequency attached by ClinVar (database versions not stated): gnomAD exomes below 0.00001.

Submission:

Labcorp Genetics (formerly Invitae), Labcorp
Classification: Uncertain significance. Last evaluated: 2022-08-09. Review status: criteria provided, single submitter. Criteria: Invitae Variant Classification Sherloc (09022015). Collection method: clinical testing. Allele origin: germline.
Comment: This sequence change replaces cysteine, which is neutral and slightly polar, with tryptophan, which is neutral and slightly polar, at codon 433 of the PLEKHG2 protein (p.Cys433Trp). In summary, the available evidence is currently insufficient to determine the role of this variant in disease. Therefore, it has been classified as a Variant of Uncertain Significance. This variant is not present in population databases (gnomAD no frequency). This variant has not been reported in the literature in individuals affected with PLEKHG2-related conditions. ClinVar contains an entry for this variant (Variation ID: 1523786). Algorithms developed to predict the effect of missense changes on protein structure and function (SIFT, PolyPhen-2, Align-GVGD) all suggest that this variant is likely to be disruptive.

NM_022835.3(PLEKHG2):c.1299T>G (p.Cys433Trp)

Gene: PLEKHG2 (pleckstrin homology and RhoGEF domain containing G2; plus strand). Cytogenetic location: 19q13.2.
Variant type: single nucleotide variant.
Coding change: c.1299T>G on transcript NM_022835.3 (MANE Select); coding-DNA position 1299, T replaced by G.
Protein change: p.Cys433Trp; replaces cysteine 433 with tryptophan.
Molecular consequence: missense variant.
Genome position (GRCh38, 1-based): chr19:39,420,752, T>G. VCF-style: chr19-39420752-T-G. GRCh37 (hg19) VCF-style: chr19-39911392-T-G.
Other names: c.1122T>G, p.Cys374Trp (NM_001351693.2); c.1299T>G, p.Cys433Trp (NM_001351694.2); short protein forms C433W, C374W.
Identifiers: ClinVar variation 1523786 (VCV001523786.6), dbSNP rs2078686375, ClinGen allele CA405792860.